The following is an entry in ClinVar:

ClinVar aggregate classification (germline): Uncertain significance (1 of 4 stars; one submission).

Allele frequency attached by ClinVar (database versions not stated): gnomAD 0.00001; ExAC 0.00002; gnomAD exomes below 0.00001; TOPMed below 0.00001.
gnomAD v4.1: 6 of 1,612,978 alleles (0.00037%); highest among the groups gnomAD compares: Non-Finnish European, 0.00034%; no homozygotes.

Submission:

Labcorp Genetics (formerly Invitae), Labcorp
Classification: Uncertain significance. Last evaluated: 2024-02-24. Review status: criteria provided, single submitter. Criteria: Invitae Variant Classification Sherloc (09022015). Collection method: clinical testing. Allele origin: germline.
Comment: This sequence change affects an acceptor splice site in intron 2 of the SLC7A14 gene. It is expected to disrupt RNA splicing. Variants that disrupt the donor or acceptor splice site typically lead to a loss of protein function (PMID: 16199547), however the current clinical and genetic evidence is not sufficient to establish whether loss-of-function variants in SLC7A14 cause disease. This variant is present in population databases (rs754169844, gnomAD 0.002%). This variant has not been reported in the literature in individuals affected with SLC7A14-related conditions. ClinVar contains an entry for this variant (Variation ID: 1903849). Algorithms developed to predict the effect of sequence changes on RNA splicing suggest that this variant may disrupt the consensus splice site. In summary, the available evidence is currently insufficient to determine the role of this variant in disease. Therefore, it has been classified as a Variant of Uncertain Significance.

Literature cited by the submitters: PubMed 16199547.

NM_020949.3(SLC7A14):c.305-2A>G

Genes: SLC7A14 (solute carrier family 7 member 14; minus strand), SLC7A14-AS1 (SLC7A14 antisense RNA 1; plus strand). Cytogenetic location: 3q26.2.
Variant type: single nucleotide variant.
Coding change: c.305-2A>G on transcript NM_020949.3 (MANE Select); the canonical splice acceptor site of the intron before coding-DNA position 305, A replaced by G.
Molecular consequence: splice acceptor variant.
Genome position (GRCh38, 1-based): chr3:170,501,347, T>C on the plus strand (A>G on the coding strand, the complement: SLC7A14 is on the minus strand). VCF-style: chr3-170501347-T-C. GRCh37 (hg19) VCF-style: chr3-170219136-T-C.
Identifiers: ClinVar variation 1903849 (VCV001903849.5), dbSNP rs754169844, ClinGen allele CA2701955.